The following is an entry in ClinVar:

NM_198578.4(LRRK2):c.6701A>G (p.Lys2234Arg)

Gene: LRRK2 (leucine rich repeat kinase 2; plus strand). Cytogenetic location: 12q12.
Variant type: single nucleotide variant.
Coding change: c.6701A>G on transcript NM_198578.4 (MANE Select); coding-DNA position 6701, A replaced by G.
Protein change: p.Lys2234Arg; replaces lysine 2234 with arginine.
Molecular consequence: missense variant.
Genome position (GRCh38, 1-based): chr12:40,354,423, A>G. VCF-style: chr12-40354423-A-G. GRCh37 (hg19) VCF-style: chr12-40748225-A-G.
Other names: short protein forms K2234R.
Identifiers: ClinVar variation 3229750 (VCV003229750.1), dbSNP rs781471303, ClinGen allele CA6514737.

ClinVar aggregate classification (germline): Uncertain significance (1 of 4 stars; one submission).

Conditions:
Inborn genetic diseases. Identifiers: MedGen C0950123, MeSH D030342.

Allele frequency attached by ClinVar (database versions not stated): gnomAD exomes below 0.00001; ExAC 0.00001.
gnomAD v4.1: 2 of 1,614,166 alleles (0.00012%); highest among the groups gnomAD compares: East Asian, 0.0022%; no homozygotes.

Submission:

Ambry Genetics
Classification: Uncertain significance for Inborn genetic diseases. Last evaluated: 2023-09-15. Review status: criteria provided, single submitter. Criteria: Ambry Variant Classification Scheme 2023. Collection method: clinical testing. Allele origin: germline.
Comment: The p.K2234R variant (also known as c.6701A>G), located in coding exon 45 of the LRRK2 gene, results from an A to G substitution at nucleotide position 6701. The lysine at codon 2234 is replaced by arginine, an amino acid with highly similar properties. This amino acid position is conserved. In addition, this alteration is predicted to be tolerated by in silico analysis. Since supporting evidence is limited at this time, the clinical significance of this alteration remains unclear.